The following is an entry in ClinVar:

NM_000088.4(COL1A1):c.2560-18C>G

Gene: COL1A1 (collagen type I alpha 1 chain; minus strand). Cytogenetic location: 17q21.33.
Variant type: single nucleotide variant.
Coding change: c.2560-18C>G on transcript NM_000088.4 (MANE Select); 18 bases into the intron before coding-DNA position 2560, C replaced by G.
Molecular consequence: intron variant.
Genome position (GRCh38, 1-based): chr17:50,189,930, G>C on the plus strand (C>G on the coding strand, the complement: COL1A1 is on the minus strand). VCF-style: chr17-50189930-G-C. GRCh37 (hg19) VCF-style: chr17-48267291-G-C.
Identifiers: ClinVar variation 254948 (VCV000254948.16), dbSNP rs2075559, ClinGen allele CA8644754.

ClinVar aggregate classification (germline): Benign. Review status: criteria provided, multiple submitters, no conflicts (2 of 4 stars). 7 submissions from 7 submitters: Benign (7). Last evaluated 2026-02-04.

Conditions:
Osteogenesis imperfecta type I (OI1). Also called: OI, TYPE I; OSTEOGENESIS IMPERFECTA TARDA; OSTEOGENESIS IMPERFECTA WITH BLUE SCLERAE; Osteogenesis imperfecta type 1; Lobstein's Disease; Lobstein disease. Identifiers: Orphanet 216796, Orphanet 666, MedGen C0023931, MONDO:0008146, OMIM 166200. Disease mechanism: loss of function.

Allele frequency attached by ClinVar (database versions not stated): gnomAD 0.50861; ESP Exome Variant Server 0.52492; TOPMed 0.54106; 1000 Genomes Project 0.54133; 1000 Genomes Project 30x 0.54763.
gnomAD v4.1: 829,366 of 1,612,158 alleles (51%); highest among the groups gnomAD compares: Admixed American, 62%; 214,685 homozygotes.

Submissions (7):

Labcorp Genetics (formerly Invitae), Labcorp
Classification: Benign for Osteogenesis imperfecta type I. Last evaluated: 2026-02-04. Review status: criteria provided, single submitter. Criteria: Invitae Variant Classification Sherloc (09022015). Collection method: clinical testing. Allele origin: germline.

Blueprint Genetics
Classification: Benign. Last evaluated: 2024-11-28. Review status: criteria provided, single submitter. Criteria: ACMG Guidelines, 2015. Collection method: clinical testing. Allele origin: germline.

Athena Diagnostics
Classification: Benign. Last evaluated: 2017-07-26. Review status: criteria provided, single submitter. Criteria: Athena Diagnostics Criteria. Collection method: clinical testing. Allele origin: germline.

Eurofins Ntd Llc (ga)
Classification: Benign. Last evaluated: 2016-06-14. Review status: criteria provided, single submitter. Criteria: EGL Classification Definitions 2015. Collection method: clinical testing. Allele origin: germline. Observed: 2 variant alleles, 1 heterozygote, 1 homozygote.

GeneDx
Classification: Benign. Last evaluated: 2016-03-03. Review status: criteria provided, single submitter. Criteria: GeneDx Variant Classification (06012015). Collection method: clinical testing. Allele origin: germline. Affected: yes.
Comment: This variant is considered likely benign or benign based on one or more of the following criteria: it is a conservative change, it occurs at a poorly conserved position in the protein, it is predicted to be benign by multiple in silico algorithms, and/or has population frequency not consistent with disease.

Breakthrough Genomics
Classification: Benign. Review status: criteria provided, single submitter. Criteria: ACMG Guidelines, 2015. Collection method: not provided. Allele origin: germline. Inheritance: Autosomal dominant inheritance. Affected: yes.

PreventionGenetics, part of Exact Sciences
Classification: Benign. Review status: criteria provided, single submitter. Criteria: ACMG Guidelines, 2015. Collection method: clinical testing. Allele origin: germline.